The following is an entry in ClinVar:

NM_000059.4(BRCA2):c.898G>T (p.Val300Leu)

Gene: BRCA2 (BRCA2 DNA repair associated; plus strand). Cytogenetic location: 13q13.1.
Variant type: single nucleotide variant.
Coding change: c.898G>T on transcript NM_000059.4 (MANE Select); coding-DNA position 898, G replaced by T.
Protein change: p.Val300Leu; replaces valine 300 with leucine.
Molecular consequence: missense variant.
Genome position (GRCh38, 1-based): chr13:32,332,376, G>T. VCF-style: chr13-32332376-G-T. GRCh37 (hg19) VCF-style: chr13-32906513-G-T.
Other names: short protein forms V300L.
Identifiers: ClinVar variation 919167 (VCV000919167.8), dbSNP rs878853616, ClinGen allele CA387760674.

ClinVar aggregate classification (germline): Conflicting classifications of pathogenicity. Review status: criteria provided, conflicting classifications (1 of 4 stars). 5 submissions from 5 submitters: Uncertain significance (3); Likely benign (2). Last evaluated 2024-11-26.

Conditions:
Hereditary breast ovarian cancer syndrome. Also called: BRCA1- and BRCA2-Associated Hereditary Breast and Ovarian Cancer; Hereditary breast and ovarian cancer syndrome; Hereditary breast and ovarian cancer; Hereditary breast and ovarian cancer syndrome (HBOC); Breast and ovarian cancer; Hereditary breast and/or ovarian cancer syndrome. Identifiers: Orphanet 145, MedGen C0677776, MeSH D061325, MONDO:0003582. Disease mechanism: loss of function.
Hereditary cancer-predisposing syndrome. Also called: Neoplastic Syndromes, Hereditary; Tumor predisposition; Hereditary Cancer Syndrome; Hereditary neoplastic syndrome. Identifiers: Orphanet 140162, MedGen C0027672, MeSH D009386, MONDO:0015356.

gnomAD v4.1: 1 of 1,594,932 alleles (0.000063%); highest among the groups gnomAD compares: Non-Finnish European, 0.000085%; no homozygotes.

Submissions (5):

Labcorp Genetics (formerly Invitae), Labcorp
Classification: Uncertain significance for Hereditary breast ovarian cancer syndrome. Last evaluated: 2024-11-26. Review status: criteria provided, single submitter. Criteria: Invitae Variant Classification Sherloc (09022015). Collection method: clinical testing. Allele origin: germline.
Comment: This sequence change replaces valine, which is neutral and non-polar, with leucine, which is neutral and non-polar, at codon 300 of the BRCA2 protein (p.Val300Leu). This variant is not present in population databases (gnomAD no frequency). This variant has not been reported in the literature in individuals affected with BRCA2-related conditions. ClinVar contains an entry for this variant (Variation ID: 919167). Invitae Evidence Modeling of protein sequence and biophysical properties (such as structural, functional, and spatial information, amino acid conservation, physicochemical variation, residue mobility, and thermodynamic stability) indicates that this missense variant is not expected to disrupt BRCA2 protein function with a negative predictive value of 95%. In summary, the available evidence is currently insufficient to determine the role of this variant in disease. Therefore, it has been classified as a Variant of Uncertain Significance.

Ambry Genetics
Classification: Likely benign for Hereditary cancer-predisposing syndrome. Last evaluated: 2024-09-14. Review status: criteria provided, single submitter. Criteria: Ambry Variant Classification Scheme 2023. Collection method: clinical testing. Allele origin: germline.

University of Washington Department of Laboratory Medicine, University of Washington
Classification: Likely benign for Hereditary cancer-predisposing syndrome. Last evaluated: 2023-03-23. Review status: criteria provided, single submitter. Criteria: Dines et al. (Genet Med. 2020). Collection method: curation. Allele origin: germline.
Comment: Missense variant in a coldspot region where missense variants are very unlikely to be pathogenic (PMID:31911673).

BRCA2 exon 10 coldspot. Reclassification based on statistical prior probability.

Sema4
Classification: Uncertain significance for Hereditary cancer-predisposing syndrome. Last evaluated: 2022-02-24. Review status: criteria provided, single submitter. Criteria: Sema4 Curation Guidelines. Collection method: curation. Allele origin: germline.
Comment: To the best of our knowledge, the BRCA2 c.898G>T (p.V300L) variant has not been reported in individuals with BRCA2-related disease. However, it was reported in a healthy control in a breast cancer case-control study (PMID: 33471991). It was not observed in the large and broad cohorts of the Genome Aggregation Database (PMID: 32461654). The variant has been reported in ClinVar (Variation ID: 919167). Functional studies have not been performed, and in silico predictions of the variant's effect on protein function are inconclusive. The evidence is insufficient to meet ACMG/AMP criteria for classifying the variant as benign or pathogenic. Thus, the clinical significance of this variant is currently uncertain.

Color Diagnostics, LLC DBA Color Health
Classification: Uncertain significance for Hereditary cancer-predisposing syndrome. Last evaluated: 2019-01-29. Review status: criteria provided, single submitter. Criteria: ACMG Guidelines, 2015. Collection method: clinical testing. Allele origin: germline.

Literature cited by the submitters: PubMed 33471991 (cited by Sema4).